The following is an entry in ClinVar:

NM_002335.4(LRP5):c.4001-3C>T

Gene: LRP5 (LDL receptor related protein 5; plus strand). Cytogenetic location: 11q13.2.
Variant type: single nucleotide variant.
Coding change: c.4001-3C>T on transcript NM_002335.4 (MANE Select); 3 bases into the intron before coding-DNA position 4001, C replaced by T.
Molecular consequence: intron variant.
Genome position (GRCh38, 1-based): chr11:68,436,886, C>T. VCF-style: chr11-68436886-C-T. GRCh37 (hg19) VCF-style: chr11-68204354-C-T.
Other names: c.2258-3C>T (NM_001291902.2).
Identifiers: ClinVar variation 2127276 (VCV002127276.4), dbSNP rs1260186595, ClinGen allele CA679589382.
Genomic context (GRCh38, chr11:68,436,886, plus strand): 5'-GCCCTGCATGGTGGGCTGGGGGGCACCCTCCAGCCTCTCTGAGTGCATGGCCTCTCCTTG[C>T]AGCCATCTGCCTGCCCAACCAGTTCCGGTGTGCGAGCGGCCAGTGTGTCCTCATCAAACA-3'

ClinVar aggregate classification (germline): Uncertain significance (1 of 4 stars; one submission).

Submission:

Labcorp Genetics (formerly Invitae), Labcorp
Classification: Uncertain significance. Last evaluated: 2023-08-29. Review status: criteria provided, single submitter. Criteria: Invitae Variant Classification Sherloc (09022015). Collection method: clinical testing. Allele origin: germline.
Comment: In summary, the available evidence is currently insufficient to determine the role of this variant in disease. Therefore, it has been classified as a Variant of Uncertain Significance. Variants that disrupt the consensus splice site are a relatively common cause of aberrant splicing (PMID: 17576681, 9536098). Algorithms developed to predict the effect of sequence changes on RNA splicing suggest that this variant is not likely to affect RNA splicing. ClinVar contains an entry for this variant (Variation ID: 2127276). This variant has not been reported in the literature in individuals affected with LRP5-related conditions. This variant is not present in population databases (gnomAD no frequency). This sequence change falls in intron 18 of the LRP5 gene. It does not directly change the encoded amino acid sequence of the LRP5 protein. It affects a nucleotide within the consensus splice site.

Literature cited by the submitters: PubMed 17576681; PubMed 9536098.